The following is an entry in ClinVar:

NM_001367624.2(ZNF469):c.2168G>T (p.Ser723Ile)

Gene: ZNF469 (zinc finger protein 469; plus strand). Cytogenetic location: 16q24.2.
Variant type: single nucleotide variant.
Coding change: c.2168G>T on transcript NM_001367624.2 (MANE Select); coding-DNA position 2168, G replaced by T.
Protein change: p.Ser723Ile; replaces serine 723 with isoleucine.
Molecular consequence: missense variant.
Genome position (GRCh38, 1-based): chr16:88,429,638, G>T. VCF-style: chr16-88429638-G-T. GRCh37 (hg19) VCF-style: chr16-88496046-G-T.
Other names: NM_001127464.1:c.2168G>T; short protein forms S723I.
Identifiers: ClinVar variation 2564281 (VCV002564281.2), dbSNP rs777747160, ClinGen allele CA397070239.

ClinVar aggregate classification (germline): Uncertain significance (1 of 4 stars; one submission).

Conditions:
Cardiovascular phenotype. Identifiers: MedGen CN230736.

Submission:

Ambry Genetics
Classification: Uncertain significance for Cardiovascular phenotype. Last evaluated: 2023-06-12. Review status: criteria provided, single submitter. Criteria: Ambry Variant Classification Scheme 2023. Collection method: clinical testing. Allele origin: germline.
Comment: The p.S723I variant (also known as c.2168G>T), located in coding exon 1 of the ZNF469 gene, results from a G to T substitution at nucleotide position 2168. The serine at codon 723 is replaced by isoleucine, an amino acid with dissimilar properties. This amino acid position is conserved. In addition, this alteration is predicted to be tolerated by in silico analysis. Since supporting evidence is limited at this time, the clinical significance of this alteration remains unclear.